The following is an entry in ClinVar:

ClinVar aggregate classification (germline): Pathogenic/Likely pathogenic. Review status: criteria provided, multiple submitters, no conflicts (2 of 4 stars). 4 submissions from 4 submitters: Pathogenic (3); Likely pathogenic (1). Last evaluated 2024-06-02.

Conditions:
Hereditary cancer-predisposing syndrome. Also called: Tumor predisposition; Neoplastic Syndromes, Hereditary; Hereditary neoplastic syndrome; Hereditary Cancer Syndrome. Identifiers: Orphanet 140162, MedGen C0027672, MeSH D009386, MONDO:0015356.
Multiple endocrine neoplasia, type 2 (MEN2). Identifiers: Orphanet 653, MedGen C4048306, MONDO:0019003. Disease mechanism: gain of function.
Multiple endocrine neoplasia type 2B. Also called: WAGENMANN-FROBOESE SYNDROME; MULTIPLE ENDOCRINE NEOPLASIA, TYPE III; MEN 2B; MUCOSAL NEUROMA SYNDROME; MEN IIB; NEUROMATA, MUCOSAL, WITH ENDOCRINE TUMORS. Identifiers: Orphanet 247709, Orphanet 653, MedGen C0025269, MeSH D018814, MONDO:0008082, OMIM 162300.

Submissions (4):

Labcorp Genetics (formerly Invitae), Labcorp
Classification: Pathogenic for Multiple endocrine neoplasia, type 2. Last evaluated: 2024-06-02. Review status: criteria provided, single submitter. Criteria: Invitae Variant Classification Sherloc (09022015). Collection method: clinical testing. Allele origin: germline.
Comment: This sequence change replaces alanine, which is neutral and non-polar, with phenylalanine, which is neutral and non-polar, at codon 883 of the RET protein (p.Ala883Phe). Information on the frequency of this variant in the gnomAD database is not available, as this variant may be reported differently in the database. This missense change has been observed in individual(s) with multiple endocrine neoplasia type 2 (PMID: 9294615, 25244518, 28323957). In at least one individual the variant was observed to be de novo. ClinVar contains an entry for this variant (Variation ID: 38629). An algorithm developed to predict the effect of missense changes on protein structure and function (PolyPhen-2) suggests that this variant is likely to be disruptive. Experimental studies have shown that this missense change affects RET function (PMID: 10679286). For these reasons, this variant has been classified as Pathogenic.

Mayo Clinic Laboratories, Mayo Clinic
Classification: Pathogenic. Last evaluated: 2023-11-29. Review status: criteria provided, single submitter. Criteria: ACMG Guidelines, 2015. Collection method: clinical testing. Allele origin: germline. Observed: 1 variant allele.
Comment: PP4, PS2_very_strong, PS3_supporting, PS4_moderate

Laboratory of Molecular and Cytogenetics, Department of Anatomy, All India Institute of Medical Sciences (AIIMS)
Classification: Likely pathogenic for Multiple endocrine neoplasia type 2B. Last evaluated: 2023-05-21. Review status: criteria provided, single submitter. Criteria: ACMG Guidelines, 2015. Collection method: clinical testing. Allele origin: germline. Affected: yes. Observed: 1 variant allele.

Ambry Genetics
Classification: Pathogenic for Hereditary cancer-predisposing syndrome. Last evaluated: 2023-04-05. Review status: criteria provided, single submitter. Criteria: Ambry Variant Classification Scheme 2023. Collection method: clinical testing. Allele origin: germline.
Comment: The c.2647_2648delGCinsTT pathogenic mutation (also known as p.A883F), located in coding exon 15 of the RET gene, results from an in-frame deletion of GC and insertion of TT at nucleotide positions 2647 to 2648. This results in the substitution of the alanine residue for a phenylalanine residue at codon 883, an amino acid with dissimilar properties. This alteration has been observed in multiple individuals clinically diagnosed with MEN 2B with a personal and/or family history that is consistent with RET-related disease, and was reported as de novo in at least 2 unrelated probands (Smith DP et al. Oncogene, 1997 Sep;15:1213-7; Gimm O et al. J Clin Endocrinol Metab, 1997 Nov;82:3902-4; Jasim S et al. Thyroid, 2011 Feb;21:189-92; Mathiesen JS et al. Thyroid, 2015 Jan;25:139-40; Raue F et al. J Clin Endocrinol Metab, 2018 Jan;103:235-243; Fussey JM et al. Clin Endocrinol (Oxf), 2021 Aug;95:295-302). One functional study demonstrated high transforming activity without dimerization for p.A883F (Iwashita T et al. Oncogene, 1999 Jul;18:3919-22). Another study demonstrated that p.A883F exerted ligand-independent autophosphorylation and showed a sensitivity profile similar to known pathogenic RET alterations (Carlomagno F et al. Oncogene, 2004 Aug;23:6056-63). This variant is considered to be rare based on population cohorts in the Genome Aggregation Database (gnomAD). This amino acid position is highly conserved in available vertebrate species. In addition, the in silico prediction for this alteration is inconclusive (Choi Y et al. PLoS ONE. 2012; 7(10):e46688). Based on the supporting evidence, this alteration is pathogenic for MEN2; however, the association of this alteration with Hirschsprung disease is unknown.

Literature cited by the submitters: PubMed 9294615 (cited by 3 submitters); PubMed 25244518 (cited by 3 submitters); PubMed 28323957 (cited by Labcorp Genetics (formerly Invitae), Labcorp and Mayo Clinic Laboratories, Mayo Clinic); PubMed 10679286 (cited by Labcorp Genetics (formerly Invitae), Labcorp and Mayo Clinic Laboratories, Mayo Clinic); PubMed 15184865 (cited by Mayo Clinic Laboratories, Mayo Clinic and Ambry Genetics); PubMed 15281979 (cited by Mayo Clinic Laboratories, Mayo Clinic); PubMed 21186952 (cited by Mayo Clinic Laboratories, Mayo Clinic and Ambry Genetics); PubMed 24745698 (cited by Mayo Clinic Laboratories, Mayo Clinic); PubMed 33340421 (cited by Mayo Clinic Laboratories, Mayo Clinic and Ambry Genetics); PubMed 9360560 (cited by Mayo Clinic Laboratories, Mayo Clinic and Ambry Genetics); PubMed 10445857 (cited by Ambry Genetics); PubMed 29077903 (cited by Ambry Genetics).

NM_020975.6(RET):c.2647_2648delinsTT (p.Ala883Phe)

Gene: RET (ret proto-oncogene; plus strand). Cytogenetic location: 10q11.21.
Variant type: Indel.
Coding change: c.2647_2648delinsTT on transcript NM_020975.6 (MANE Select); coding-DNA positions 2647 to 2648, GC replaced by TT.
Protein change: p.Ala883Phe; replaces alanine 883 with phenylalanine.
Molecular consequence: missense variant.
Genome position (GRCh38, 1-based): chr10:43,120,120-43,120,121, GC replaced by TT. VCF-style: chr10-43120120-GC-TT. GRCh37 (hg19) VCF-style: chr10-43615568-GC-TT.
Other names: p.Ala883Phe; c.2647_2648delGCinsTT, p.Ala883Phe (NM_000323.2, NM_001406743.1, NM_001406744.1 and 4 more transcripts); c.1885_1886delGCinsTT, p.Ala629Phe (NM_001355216.2); c.2518_2519delGCinsTT, p.Ala840Phe (NM_001406761.1, NM_001406762.1, NM_001406764.1); c.2512_2513delGCinsTT, p.Ala838Phe (NM_001406763.1, NM_001406765.1); c.2359_2360delGCinsTT, p.Ala787Phe (NM_001406766.1, NM_001406767.1, NM_001406770.1); c.2383_2384delGCinsTT, p.Ala795Phe (NM_001406768.1); c.2251_2252delGCinsTT, p.Ala751Phe (NM_001406769.1, NM_001406772.1); and 11 more; short protein forms A883F, A629F, A544F, A737F, A795F, A840F, A400F, A448F.
Identifiers: ClinVar variation 38629 (VCV000038629.15), dbSNP rs377767429, ClinGen allele CA008962.
Genomic context (GRCh38, chr10:43,120,120, plus strand): 5'-TCGTGCTATTTTTCCTCACAGCTCGTTCATCGGGACTTGGCAGCCAGAAACATCCTGGTA[GC>TT]TGAGGGGCGGAAGATGAAGATTTCGGATTTCGGCTTGTCCCGAGATGTTTATGAAGAGGA-3'
Protein context (NP_066124.1, residues 873-893): RDLAARNILV[Ala883Phe]EGRKMKISDF